The following is an entry in ClinVar:

NM_000064.4(C3):c.268-2A>G

Gene: C3 (complement C3; minus strand). Cytogenetic location: 19p13.3.
Variant type: single nucleotide variant.
Coding change: c.268-2A>G on transcript NM_000064.4 (MANE Select); the canonical splice acceptor site of the intron before coding-DNA position 268, A replaced by G.
Molecular consequence: splice acceptor variant.
Genome position (GRCh38, 1-based): chr19:6,718,414, T>C on the plus strand (A>G on the coding strand, the complement: C3 is on the minus strand). VCF-style: chr19-6718414-T-C. GRCh37 (hg19) VCF-style: chr19-6718425-T-C.
Identifiers: ClinVar variation 1476342 (VCV001476342.6), dbSNP rs112310930, ClinGen allele CA403645385.

ClinVar aggregate classification (germline): Likely pathogenic (1 of 4 stars; one submission).

Submission:

Labcorp Genetics (formerly Invitae), Labcorp
Classification: Likely pathogenic. Last evaluated: 2021-10-27. Review status: criteria provided, single submitter. Criteria: Invitae Variant Classification Sherloc (09022015). Collection method: clinical testing. Allele origin: germline.
Comment: This variant is not present in population databases (gnomAD no frequency). This sequence change affects an acceptor splice site in intron 2 of the C3 gene. It is expected to disrupt RNA splicing. Variants that disrupt the donor or acceptor splice site typically lead to a loss of protein function (PMID: 16199547), and loss-of-function variants in C3 are known to be pathogenic (PMID: 12462331, 14639503, 21501302). This variant has not been reported in the literature in individuals affected with C3-related conditions. Algorithms developed to predict the effect of sequence changes on RNA splicing suggest that this variant may disrupt the consensus splice site. In summary, the currently available evidence indicates that the variant is pathogenic, but additional data are needed to prove that conclusively. Therefore, this variant has been classified as Likely Pathogenic.

Literature cited by the submitters: PubMed 16199547; PubMed 12462331; PubMed 14639503; PubMed 21501302.